The following is an entry in ClinVar:

NM_001042492.3(NF1):c.1062+2T>A

Gene: NF1 (neurofibromin 1; plus strand). Cytogenetic location: 17q11.2.
Variant type: single nucleotide variant.
Coding change: c.1062+2T>A on transcript NM_001042492.3 (MANE Select); the canonical splice donor site of the intron after coding-DNA position 1062, T replaced by A.
Molecular consequence: splice donor variant.
Genome position (GRCh38, 1-based): chr17:31,200,597, T>A. VCF-style: chr17-31200597-T-A. GRCh37 (hg19) VCF-style: chr17-29527615-T-A.
Other names: c.1062+2T>A (NM_000267.4, NM_001128147.3).
Identifiers: ClinVar variation 2024252 (VCV002024252.7), dbSNP rs2066510391, ClinGen allele CA398996579.

ClinVar aggregate classification (germline): Pathogenic/Likely pathogenic. Review status: criteria provided, multiple submitters, no conflicts (2 of 4 stars). 2 submissions from 2 submitters: Pathogenic (1); Likely pathogenic (1). Last evaluated 2025-04-20.

Conditions:
Neurofibromatosis, familial spinal (FSNF). Identifiers: Orphanet 636, MedGen C1834235, MONDO:0008078, OMIM 162210. Disease mechanism: loss of function.
Juvenile myelomonocytic leukemia (JMML). Also called: LEUKEMIA, JUVENILE MYELOMONOCYTIC, SOMATIC. Identifiers: Orphanet 86834, MedGen C0349639, MONDO:0011908, OMIM 607785, HP:0012209.
Neurofibromatosis, type 1 (NF1). Also called: VON RECKLINGHAUSEN DISEASE; NEUROFIBROMATOSIS, TYPE I, SOMATIC; Peripheral type neurofibromatosis; Neurofibromatosis, type I. Identifiers: Orphanet 636, MedGen C0027831, MONDO:0018975, OMIM 162200. Disease mechanism: loss of function.
Neurofibromatosis-Noonan syndrome (NFNS). Also called: NEUROFIBROMATOSIS WITH NOONAN PHENOTYPE. Identifiers: Orphanet 638, MedGen C2931482, MONDO:0011035, OMIM 601321. Disease mechanism: loss of function.
Café-au-lait macules with pulmonary stenosis (WTSN). Also called: PULMONIC STENOSIS WITH CAFE-AU-LAIT SPOTS. Identifiers: MedGen C0553586, MONDO:0008672, OMIM 193520.

Submissions (2):

Labcorp Genetics (formerly Invitae), Labcorp
Classification: Pathogenic for Neurofibromatosis, type 1. Last evaluated: 2025-04-20. Review status: criteria provided, single submitter. Criteria: Invitae Variant Classification Sherloc (09022015). Collection method: clinical testing. Allele origin: germline.
Comment: This sequence change affects a donor splice site in intron 9 of the NF1 gene. It is expected to disrupt RNA splicing. Variants that disrupt the donor or acceptor splice site typically lead to a loss of protein function (PMID: 16199547), and loss-of-function variants in NF1 are known to be pathogenic (PMID: 10712197, 23913538). This variant is not present in population databases (gnomAD no frequency). Disruption of this splice site has been observed in individual(s) with neurofibromatosis type 1 (PMID: 17426081). ClinVar contains an entry for this variant (Variation ID: 2024252). Algorithms developed to predict the effect of sequence changes on RNA splicing suggest that this variant may disrupt the consensus splice site. For these reasons, this variant has been classified as Pathogenic.

Juno Genomics, Hangzhou Juno Genomics, Inc
Classification: Likely pathogenic for Neurofibromatosis, type 1; Juvenile myelomonocytic leukemia; Neurofibromatosis, familial spinal; Neurofibromatosis-Noonan syndrome; Café-au-lait macules with pulmonary stenosis. Review status: criteria provided, single submitter. Criteria: ACMG Guidelines, 2015. Collection method: clinical testing. Allele origin: germline.
Comment: Absent from controls (or at extremely low frequency if recessive) in Genome Aggregation Database.;Null variant in a gene where loss of function (LOF) is a known mechanism of disease.;Assumed de novo, but without confirmation of paternity and maternity.

Literature cited by the submitters: PubMed 16199547 (cited by Labcorp Genetics (formerly Invitae), Labcorp); PubMed 10712197 (cited by Labcorp Genetics (formerly Invitae), Labcorp); PubMed 23913538 (cited by Labcorp Genetics (formerly Invitae), Labcorp); PubMed 17426081 (cited by Labcorp Genetics (formerly Invitae), Labcorp).